The following is an entry in ClinVar:

NM_207361.6(FREM2):c.6257del (p.Asp2086fs)

Gene: FREM2 (FRAS1 related extracellular matrix 2; plus strand). Cytogenetic location: 13q13.3.
Variant type: Deletion.
Coding change: c.6257del on transcript NM_207361.6 (MANE Select); coding-DNA position 6257, one base deleted (A; older notation c.6257delA).
Protein change: p.Asp2086fs; shifts the reading frame from aspartic acid 2086.
Molecular consequence: frameshift variant.
Genome position (GRCh38, 1-based): chr13:38,848,548, A deleted. VCF-style (leftmost placement, unchanged base first): chr13-38848547-GA-G. GRCh37 (hg19) VCF-style: chr13-39422684-GA-G.
Other names: c.6257delA (NM_207361.6); short protein forms D2086fs.
Identifiers: ClinVar variation 4526603 (VCV004526603.1).
Genomic context (GRCh38, chr13:38,848,547, plus strand): 5'-CGTAATTTAGATTTTGCACCTGGAGTCAACATGCAGCCTGTTCGTGTTGTCATTCTGGAT[GA>G]CCTTGGACAACCAGCGCTGGAGGGAATTGAGAAATTTGAACTGGTGCTTCGCATGCCTAT-3'

ClinVar aggregate classification (germline): Likely pathogenic (1 of 4 stars; one submission).

Conditions:
Isolated cryptophthalmia. Also called: Cryptophthalmos, unilateral or bilateral, isolated; ANKYLOBLEPHARON, SIMPLE. Identifiers: Orphanet 91396, MedGen C1852453, MONDO:0007410, OMIM 123570.
Fraser syndrome 2 (FRASRS2). Identifiers: MedGen C4540036, MONDO:0054738, OMIM 617666.

Submission:

First Genomix Gene Laboratory, Genetic Diagnostics Department
Classification: Likely pathogenic for Fraser syndrome 2; Isolated cryptophthalmia. Last evaluated: 2025-04-11. Review status: criteria provided, single submitter. Criteria: ACMG Guidelines, 2015. Collection method: clinical testing. Allele origin: germline. Inheritance: Autosomal recessive inheritance. Affected: no. Observed: 1 variant allele.